The following is an entry in ClinVar:

ClinVar aggregate classification (germline): Benign/Likely benign. Review status: criteria provided, multiple submitters, no conflicts (2 of 4 stars). 9 submissions from 8 submitters: Benign (5); Likely benign (4). Last evaluated 2026-09-01.

Conditions:
Liddle syndrome 3. Identifiers: MedGen C4748292, MONDO:0029132, OMIM 618126.
Bronchiectasis with or without elevated sweat chloride 2 (BESC2). Identifiers: Orphanet 60033, MedGen C2751666, MONDO:0013087, OMIM 613021.
Pseudohypoaldosteronism, type IB1, autosomal recessive. Also called: Pseudohypoaldosteronism, Type I, Recessive; Autosomal recessive pseudohypoaldosteronism type 1; Pseudohypoaldosteronism, Type I, Autosomal Recessive; PHA I, AUTOSOMAL RECESSIVE. Identifiers: Orphanet 171876, Orphanet 756, MedGen C5774176, MONDO:0009917, OMIM 264350.

Allele frequency attached by ClinVar (database versions not stated): 1000 Genomes Project 30x 0.00640; 1000 Genomes Project 0.00719; ESP Exome Variant Server 0.01201; TOPMed 0.01932.
gnomAD v4.1: 43,177 of 1,611,814 alleles (2.7%); highest among the groups gnomAD compares: Non-Finnish European, 3.2%; 731 homozygotes.

Submissions (9):

CeGaT Center for Human Genetics Tuebingen
Classification: Benign. Last evaluated: 2026-09-01. Review status: criteria provided, single submitter. Criteria: CeGaT Center For Human Genetics Tuebingen Variant Classification Criteria Version 2. Collection method: clinical testing. Allele origin: germline. Affected: yes. Observed: 15 variant alleles.
Comment: SCNN1A: BS1, BS2

Mayo Clinic Laboratories, Mayo Clinic
Classification: Benign. Last evaluated: 2025-08-22. Review status: criteria provided, single submitter. Criteria: ACMG Guidelines, 2015. Collection method: clinical testing. Allele origin: germline. Observed: 2 variant alleles.
Comment: BA1

Blueprint Genetics
Classification: Likely benign. Last evaluated: 2024-11-27. Review status: criteria provided, single submitter. Criteria: ACMG Guidelines, 2015. Collection method: clinical testing. Allele origin: germline.

Fulgent Genetics
Classification: Benign for Pseudohypoaldosteronism, type IB1, autosomal recessive; Bronchiectasis with or without elevated sweat chloride 2; Liddle syndrome 3. Last evaluated: 2021-08-06. Review status: criteria provided, single submitter. Criteria: ACMG Guidelines, 2015. Collection method: clinical testing. Allele origin: unknown.

GeneDx
Classification: Benign. Last evaluated: 2020-02-27. Review status: criteria provided, single submitter. Criteria: GeneDx Variant Classification Process June 2021. Collection method: clinical testing. Allele origin: germline. Affected: yes.
Comment: This variant is associated with the following publications: (PMID: 20981092, 16207733, 19462466)

Illumina Laboratory Services, Illumina
Classification: Likely benign for Bronchiectasis with or without elevated sweat chloride 2. Last evaluated: 2017-04-27. Review status: criteria provided, single submitter. Criteria: ICSL Variant Classification Criteria 13 December 2019. Collection method: clinical testing. Allele origin: germline.
Comment: This variant was observed as part of a predisposition screen in an ostensibly healthy population. A literature search was performed for the gene, cDNA change, and amino acid change (where applicable). No publications were found based on this search. Allele frequency data from public databases allowed determination this variant is unlikely to cause disease. Therefore, this variant is classified as likely benign.

Illumina Laboratory Services, Illumina
Classification: Likely benign for Pseudohypoaldosteronism, type IB1, autosomal recessive. Last evaluated: 2017-04-27. Review status: criteria provided, single submitter. Criteria: ICSL Variant Classification Criteria 13 December 2019. Collection method: clinical testing. Allele origin: germline.
Comment: the same text as in the submission from Illumina Laboratory Services, Illumina above.

Eurofins Ntd Llc (ga)
Classification: Benign. Last evaluated: 2015-02-24. Review status: criteria provided, single submitter. Criteria: EGL Classification Definitions 2015. Collection method: clinical testing. Allele origin: germline. Observed: 1 variant allele, 1 heterozygote.

Breakthrough Genomics
Classification: Likely benign. Review status: criteria provided, single submitter. Criteria: ACMG Guidelines, 2015. Collection method: not provided. Allele origin: germline. Inheritance: Autosomal recessive inheritance. Affected: yes.

NM_001038.6(SCNN1A):c.541C>T (p.Arg181Trp)

Gene: SCNN1A (sodium channel epithelial 1 subunit alpha; minus strand). Cytogenetic location: 12p13.31.
Variant type: single nucleotide variant.
Coding change: c.541C>T on transcript NM_001038.6 (MANE Select); coding-DNA position 541, C replaced by T.
Protein change: p.Arg181Trp; replaces arginine 181 with tryptophan.
Molecular consequence: missense variant.
Genome position (GRCh38, 1-based): chr12:6,363,586, G>A on the plus strand (C>T on the coding strand, the complement: SCNN1A is on the minus strand). VCF-style: chr12-6363586-G-A. GRCh37 (hg19) VCF-style: chr12-6472752-G-A.
Other names: c.610C>T, p.Arg204Trp (NM_001159575.2); c.718C>T, p.Arg240Trp (NM_001159576.2); short protein forms R181W, R204W, R240W.
Identifiers: ClinVar variation 196305 (VCV000196305.37), dbSNP rs55797039, ClinGen allele CA202272.